The following is an entry in ClinVar:

ClinVar aggregate classification (germline): Conflicting classifications of pathogenicity. Review status: criteria provided, conflicting classifications (1 of 4 stars). 6 submissions from 6 submitters: Uncertain significance (1); Likely benign (5). Last evaluated 2026-03-01.

Conditions:
Inborn genetic diseases. Identifiers: MedGen C0950123, MeSH D030342.
Intellectual developmental disorder, autosomal recessive 7. Also called: Intellectual disability, autosomal recessive 7. Identifiers: Orphanet 88616, MedGen C1970197, MONDO:0012615, OMIM 611093.
Congenital disorder of glycosylation (CDG). Also called: Congenital disorders of glycosylation; Carbohydrate-deficient glycoprotein syndrome. Identifiers: Orphanet 137, MedGen C0282577, MONDO:0015286.

Allele frequency attached by ClinVar (database versions not stated): TOPMed 0.00046; 1000 Genomes Project 30x 0.00031; 1000 Genomes Project 0.00040; ESP Exome Variant Server 0.00031; gnomAD 0.00032 and 0.00029; gnomAD exomes 0.00029 and 0.00036; ExAC 0.00042.
gnomAD v4.1: 482 of 1,612,792 alleles (0.03%); highest among the groups gnomAD compares: South Asian, 0.064%; no homozygotes.

Submissions (6):

CeGaT Center for Human Genetics Tuebingen
Classification: Likely benign. Last evaluated: 2026-03-01. Review status: criteria provided, single submitter. Criteria: CeGaT Center For Human Genetics Tuebingen Variant Classification Criteria Version 2. Collection method: clinical testing. Allele origin: germline. Affected: yes. Observed: 2 variant alleles.
Comment: TUSC3: BP4, BP7

Labcorp Genetics (formerly Invitae), Labcorp
Classification: Likely benign for Intellectual developmental disorder, autosomal recessive 7. Last evaluated: 2025-07-31. Review status: criteria provided, single submitter. Criteria: Invitae Variant Classification Sherloc (09022015). Collection method: clinical testing. Allele origin: germline.

Blueprint Genetics
Classification: Likely benign. Last evaluated: 2024-11-21. Review status: criteria provided, single submitter. Criteria: ACMG Guidelines, 2015. Collection method: clinical testing. Allele origin: germline.

Genetic Services Laboratory, University of Chicago
Classification: Likely benign. Last evaluated: 2019-10-30. Review status: criteria provided, single submitter. Criteria: ACMG Guidelines, 2015. Collection method: clinical testing. Allele origin: germline. Affected: no.

Illumina Laboratory Services, Illumina
Classification: Uncertain significance for Congenital disorder of glycosylation. Last evaluated: 2018-01-13. Review status: criteria provided, single submitter. Criteria: ICSL Variant Classification Criteria 13 December 2019. Collection method: clinical testing. Allele origin: germline.

Ambry Genetics
Classification: Likely benign for Inborn genetic diseases. Last evaluated: 2016-10-27. Review status: criteria provided, single submitter. Criteria: Ambry Variant Classification Scheme 2023. Collection method: clinical testing. Allele origin: germline.

NM_006765.4(TUSC3):c.768T>C (p.Tyr256=)

Gene: TUSC3 (tumor suppressor candidate 3; plus strand). Cytogenetic location: 8p22.
Variant type: single nucleotide variant.
Coding change: c.768T>C on transcript NM_006765.4 (MANE Select); coding-DNA position 768, T replaced by C.
Protein change: p.Tyr256=; no amino-acid change (tyrosine 256 retained).
Molecular consequence: synonymous variant.
Genome position (GRCh38, 1-based): chr8:15,673,806, T>C. VCF-style: chr8-15673806-T-C. GRCh37 (hg19) VCF-style: chr8-15531315-T-C.
Other names: c.768T>C, p.Tyr256= (NM_001356429.2, NM_178234.2).
Identifiers: ClinVar variation 362313 (VCV000362313.35), dbSNP rs149033081, ClinGen allele CA4640551.